The following is an entry in ClinVar:

ClinVar aggregate classification (germline): Likely benign. Review status: criteria provided, multiple submitters, no conflicts (2 of 4 stars). 6 submissions from 6 submitters: Likely benign (4). 2 of the submissions do not count toward it. Last evaluated 2026-02-01.

Allele frequency attached by ClinVar (database versions not stated): ESP Exome Variant Server 0.00015; gnomAD exomes 0.00015 and 0.00018; ExAC 0.00020; TOPMed 0.00043; gnomAD 0.00045 and 0.00050; 1000 Genomes Project 30x 0.00047; 1000 Genomes Project 0.00060.

Submissions (6):

CeGaT Center for Human Genetics Tuebingen
Classification: Likely benign. Last evaluated: 2026-02-01. Review status: criteria provided, single submitter. Criteria: CeGaT Center For Human Genetics Tuebingen Variant Classification Criteria Version 2. Collection method: clinical testing. Allele origin: germline. Affected: yes. Observed: 8 variant alleles.
Comment: MOCS2: BP4, BP7

Labcorp Genetics (formerly Invitae), Labcorp
Classification: Likely benign. Last evaluated: 2026-02-01. Review status: criteria provided, single submitter. Criteria: Invitae Variant Classification Sherloc (09022015). Collection method: clinical testing. Allele origin: germline.

Blueprint Genetics
Classification: Likely benign. Last evaluated: 2024-11-26. Review status: criteria provided, single submitter. Criteria: ACMG Guidelines, 2015. Collection method: clinical testing. Allele origin: germline.

Breakthrough Genomics
Classification: Likely benign. Review status: criteria provided, single submitter. Criteria: ACMG Guidelines, 2015. Collection method: not provided. Allele origin: germline. Inheritance: Autosomal recessive inheritance. Affected: yes.

Clinical Genetics DNA and cytogenetics Diagnostics Lab, Erasmus MC, Erasmus Medical Center
Classification: Likely benign. Review status: no assertion criteria provided. Collection method: clinical testing. Allele origin: germline. Affected: yes. Study: VKGL Data-share Consensus. Not counted in ClinVar's aggregate classification.

Genome Diagnostics Laboratory, University Medical Center Utrecht
Classification: Likely benign. Review status: no assertion criteria provided. Collection method: clinical testing. Allele origin: germline. Affected: yes. Study: VKGL Data-share Consensus. Not counted in ClinVar's aggregate classification.

NM_004531.5(MOCS2):c.510C>T (p.Tyr170=)

Gene: MOCS2 (molybdenum cofactor synthesis 2; minus strand). Cytogenetic location: 5q11.2.
Variant type: single nucleotide variant.
Coding change: c.510C>T on transcript NM_004531.5 (MANE Select); coding-DNA position 510, C replaced by T.
Protein change: p.Tyr170=; no amino-acid change (tyrosine 170 retained).
Molecular consequence: synonymous variant. On other transcripts: 3 prime UTR variant (1).
Genome position (GRCh38, 1-based): chr5:53,098,659, G>A on the plus strand (C>T on the coding strand, the complement: MOCS2 is on the minus strand). VCF-style: chr5-53098659-G-A. GRCh37 (hg19) VCF-style: chr5-52394489-G-A.
Other names: c.*430C>T (NM_176806.4).
Identifiers: ClinVar variation 1132764 (VCV001132764.46), dbSNP rs77310478, ClinGen allele CA3263586.
Genomic context (GRCh38, chr5:53,098,659, plus strand): 5'-TGATTAACTGTTGGATGCCCAAAAGCACTCTTTGTTTCCTTTCCAAGTTGATGACTCTTC[G>A]TATATTTCCTAAAAAACAAAATCATAACAGGTATTAAAAATAGACCATTCTACTATACGA-3'
Protein context (NP_004522.1, residues 160-180): AKVPIWKKEI[Tyr170=]EESSTWKGNK